The following is an entry in ClinVar:

ClinVar aggregate classification (germline): Uncertain significance (1 of 4 stars; one submission).

Conditions:
Hereditary cancer-predisposing syndrome. Also called: Tumor predisposition; Hereditary Cancer Syndrome; Neoplastic Syndromes, Hereditary; Hereditary neoplastic syndrome. Identifiers: Orphanet 140162, MedGen C0027672, MeSH D009386, MONDO:0015356.

Submission:

Molecular Diagnostics Laboratory, Catalan Institute of Oncology
Classification: Uncertain significance for Hereditary cancer-predisposing syndrome. Last evaluated: 2024-10-17. Review status: criteria provided, single submitter. Criteria: ACMG Guidelines, 2015. Collection method: clinical testing. Allele origin: germline.
Comment: PM2_Supporting, BP4 BARD1: c.1396-6A>C is an intronic variant located close to a canonical splice site. It is not present in the population database gnomAD v2.1.1, non-cancer dataset (PM2_supporting). The SpliceAI algorithm predicts no significant impact on splicing (BP4). To our knowledge, neither relevant clinical data nor well-established functional studies have been reported for this variant. Also, the variant has not been reported in ClinVar or LOVD databases. Based on currently available information, the variant c.1396-6A>C should be considered an uncertain significance variant.

NM_000465.4(BARD1):c.1396-6A>C

Gene: BARD1 (BRCA1 associated RING domain 1; minus strand). Cytogenetic location: 2q35.
Variant type: single nucleotide variant.
Coding change: c.1396-6A>C on transcript NM_000465.4 (MANE Select); 6 bases into the intron before coding-DNA position 1396, A replaced by C.
Molecular consequence: intron variant.
Genome position (GRCh38, 1-based): chr2:214,767,660, T>G on the plus strand (A>C on the coding strand, the complement: BARD1 is on the minus strand). VCF-style: chr2-214767660-T-G. GRCh37 (hg19) VCF-style: chr2-215632384-T-G.
Other names: c.159-15105A>C (NM_001282548.2); c.1339-6A>C (NM_001282543.2); c.216-15105A>C (NM_001282545.2); c.364+24637A>C (NM_001282549.2).
Identifiers: ClinVar variation 3774442 (VCV003774442.1).